The following is an entry in ClinVar:

NM_001378964.1(CDON):c.890G>A (p.Gly297Glu)

Gene: CDON (cell adhesion associated, oncogene regulated; minus strand). Cytogenetic location: 11q24.2.
Variant type: single nucleotide variant.
Coding change: c.890G>A on transcript NM_001378964.1 (MANE Select); coding-DNA position 890, G replaced by A.
Protein change: p.Gly297Glu; replaces glycine 297 with glutamic acid.
Molecular consequence: missense variant.
Genome position (GRCh38, 1-based): chr11:126,017,126, C>T on the plus strand (G>A on the coding strand, the complement: CDON is on the minus strand). VCF-style: chr11-126017126-C-T. GRCh37 (hg19) VCF-style: chr11-125887021-C-T.
Other names: c.890G>A, p.Gly297Glu (NM_001243597.3, NM_001441161.1, NM_001441162.1 and 5 more transcripts); short protein forms G297E.
Identifiers: ClinVar variation 4282027 (VCV004282027.1).
Genomic context (GRCh38, chr11:126,017,126, plus strand): 5'-AAATTAAAAACTAACATCTTACCAAGTACATTAACCATGTAAGTCACATATTTTACATCT[C>T]CAGACTTGTTTCCCGCCATGCAGGAATAGTTTCCGGAGTCCGCCGGGTCAACGCTATCAG-3'
Protein context (NP_001365893.1, residues 287-307): NYSCMAGNKS[Gly297Glu]DVKYVTYMVN

ClinVar aggregate classification (germline): Uncertain significance (1 of 4 stars; one submission).

Submission:

GeneDx
Classification: Uncertain significance. Last evaluated: 2025-04-14. Review status: criteria provided, single submitter. Criteria: GeneDx Variant Classification Process June 2021. Collection method: clinical testing. Allele origin: germline. Affected: yes.
Comment: Not observed at significant frequency in large population cohorts (gnomAD); In silico analysis supports that this missense variant has a deleterious effect on protein structure/function; Has not been previously published as pathogenic or benign to our knowledge